The following is an entry in ClinVar:

ClinVar aggregate classification (germline): Conflicting classifications of pathogenicity. Review status: criteria provided, conflicting classifications (1 of 4 stars). 5 submissions from 5 submitters: Uncertain significance (3); Likely benign (2). Last evaluated 2026-07-20.

Conditions:
Cardiovascular phenotype. Identifiers: MedGen CN230736.
Autosomal recessive limb-girdle muscular dystrophy type 2J (LGMDR10). Also called: MUSCULAR DYSTROPHY, LIMB-GIRDLE, AUTOSOMAL RECESSIVE 10; Limb-girdle muscular dystrophy, type 2J. Identifiers: Orphanet 140922, MedGen C1837342, MONDO:0012127, OMIM 608807.
Dilated cardiomyopathy 1G (CMD1G). Identifiers: Orphanet 154, MedGen C1858763, MONDO:0011400, OMIM 604145.
TTN-related disorder. Also called: TTN-related condition; TTN-related disease; TTN-related disorders.
Hypertrophic cardiomyopathy 9. Also called: Familial hypertrophic cardiomyopathy 9. Identifiers: MedGen C1861065, MONDO:0013412, OMIM 613765.
Early-onset myopathy with fatal cardiomyopathy (CMYO5). Also called: CONGENITAL MYOPATHY 5 WITH CARDIOMYOPATHY; Salih Myopathy. Identifiers: Orphanet 289377, MedGen C2673677, MONDO:0012714, OMIM 611705. Disease mechanism: loss of function.
Myopathy, myofibrillar, 9, with early respiratory failure (MFM9). Also called: Myopathy, distal, with early respiratory failure, autosomal dominant; EDSTROM MYOPATHY; MYOPATHY, PROXIMAL, WITH EARLY RESPIRATORY MUSCLE INVOLVEMENT; Hereditary myopathy with early respiratory failure. Identifiers: Orphanet 178464, Orphanet 34521, MedGen C1863599, MONDO:0011362, OMIM 603689.
Tibial muscular dystrophy (TMD). Also called: Tibial muscular dystrophy, tardive; UDD MYOPATHY; Udd Distal Myopathy – Tibial Muscular Dystrophy. Identifiers: Orphanet 609, MedGen C1838244, MONDO:0010870, OMIM 600334.

Allele frequency attached by ClinVar (database versions not stated): gnomAD exomes 0.00003 and 0.00004; ExAC 0.00004; TOPMed 0.00004; gnomAD 0.00009 and 0.00010.
gnomAD v4.1: 60 of 1,611,850 alleles (0.0037%); highest among the groups gnomAD compares: African/African-American, 0.016%; no homozygotes.

Submissions (5):

PreventionGenetics, part of Exact Sciences
Classification: Uncertain significance for TTN-related condition. Last evaluated: 2026-07-20. Review status: criteria provided, single submitter. Criteria: ACMG Guidelines, 2015. Collection method: clinical testing. Allele origin: germline.
Comment: The TTN c.50297G>A variant is predicted to result in the amino acid substitution p.Arg16766Gln. To our knowledge, this variant has not been reported in the literature. This variant is reported in 0.017% of alleles in individuals of African descent in gnomAD. At this time, the clinical significance of this variant is uncertain due to the absence of conclusive functional and genetic evidence.

Blueprint Genetics
Classification: Likely benign. Last evaluated: 2023-07-31. Review status: criteria provided, single submitter. Criteria: ACMG Guidelines, 2015. Collection method: clinical testing. Allele origin: germline.

Fulgent Genetics
Classification: Uncertain significance for Tibial muscular dystrophy; Myopathy, myofibrillar, 9, with early respiratory failure; Dilated cardiomyopathy 1G; Autosomal recessive limb-girdle muscular dystrophy type 2J; Early-onset myopathy with fatal cardiomyopathy; Hypertrophic cardiomyopathy 9. Last evaluated: 2021-10-01. Review status: criteria provided, single submitter. Criteria: ACMG Guidelines, 2015. Collection method: clinical testing. Allele origin: unknown.

Ambry Genetics
Classification: Likely benign for Cardiovascular phenotype. Last evaluated: 2020-04-06. Review status: criteria provided, single submitter. Criteria: Ambry Variant Classification Scheme 2023. Collection method: clinical testing. Allele origin: germline.

Labcorp Genetics (formerly Invitae), Labcorp
Classification: Uncertain significance for Dilated cardiomyopathy 1G; Autosomal recessive limb-girdle muscular dystrophy type 2J. Last evaluated: 2017-02-23. Review status: criteria provided, single submitter. Criteria: Invitae Variant Classification Sherloc (09022015). Collection method: clinical testing. Allele origin: germline.

NM_001267550.2(TTN):c.50297G>A (p.Arg16766Gln)

Genes: TTN (titin; minus strand), TTN-AS1 (TTN antisense RNA 1; plus strand). Cytogenetic location: 2q31.2.
Variant type: single nucleotide variant.
Coding change: c.50297G>A on transcript NM_001267550.2 (MANE Select); coding-DNA position 50297, G replaced by A.
Protein change: p.Arg16766Gln; replaces arginine 16766 with glutamine.
Molecular consequence: missense variant.
Genome position (GRCh38, 1-based): chr2:178,612,114, C>T on the plus strand (G>A on the coding strand, the complement: TTN is on the minus strand). VCF-style: chr2-178612114-C-T. GRCh37 (hg19) VCF-style: chr2-179476841-C-T.
Other names: c.45374G>A, p.Arg15125Gln (NM_001256850.1); c.23102G>A, p.Arg7701Gln (NM_003319.4); c.42593G>A, p.Arg14198Gln (NM_133378.4); c.23477G>A, p.Arg7826Gln (NM_133432.3); c.23678G>A, p.Arg7893Gln (NM_133437.4); short protein forms R16766Q, R7701Q, R15125Q, R14198Q, R7826Q, R7893Q.
Identifiers: ClinVar variation 238791 (VCV000238791.8), dbSNP rs747224934, ClinGen allele CA1994403.
Genomic context (GRCh38, chr2:178,612,114, plus strand): 5'-TACCTCTGTATTGGTCTTCCACCATCATTTTTAGGTGGCTCCCACTTTAGGTCAACATGT[C>T]GTTTTGTCACATCAACCACTGCCAGGGCGTAGGGTGGTCCAGGAGTGGCTGAAAATAAAA-3'
Protein context (NP_001254479.2, residues 16756-16776): YALAVVDVTK[Arg16766Gln]HVDLKWEPPK